The following is an entry in ClinVar:

NM_001365951.3(KIF1B):c.5012C>A (p.Pro1671Gln)

Gene: KIF1B (kinesin family member 1B; plus strand). Cytogenetic location: 1p36.22.
Variant type: single nucleotide variant.
Coding change: c.5012C>A on transcript NM_001365951.3 (MANE Select); coding-DNA position 5012, C replaced by A.
Protein change: p.Pro1671Gln; replaces proline 1671 with glutamine.
Molecular consequence: missense variant.
Genome position (GRCh38, 1-based): chr1:10,374,381, C>A. VCF-style: chr1-10374381-C-A. GRCh37 (hg19) VCF-style: chr1-10434439-C-A.
Other names: c.5012C>A, p.Pro1671Gln (NM_001365952.1); c.4874C>A, p.Pro1625Gln (NM_015074.3); short protein forms P1625Q, P1671Q.
Identifiers: ClinVar variation 3534051 (VCV003534051.1).

ClinVar aggregate classification (germline): Uncertain significance (1 of 4 stars; one submission).

Submission:

Ambry Genetics
Classification: Uncertain significance. Last evaluated: 2024-10-19. Review status: criteria provided, single submitter. Criteria: Ambry Variant Classification Scheme 2023. Collection method: clinical testing. Allele origin: germline.
Comment: The p.P1625Q variant (also known as c.4874C>A), located in coding exon 43 of the KIF1B gene, results from a C to A substitution at nucleotide position 4874. The proline at codon 1625 is replaced by glutamine, an amino acid with similar properties. This amino acid position is conserved. In addition, the in silico prediction for this alteration is inconclusive. Based on the available evidence, the clinical significance of this variant remains unclear.